The following is an entry in ClinVar:

NM_001273.5(CHD4):c.799+7T>C

Gene: CHD4 (chromodomain helicase DNA binding protein 4; minus strand). Cytogenetic location: 12p13.31.
Variant type: single nucleotide variant.
Coding change: c.799+7T>C on transcript NM_001273.5 (MANE Select); 7 bases into the intron after coding-DNA position 799, T replaced by C.
Molecular consequence: intron variant.
Genome position (GRCh38, 1-based): chr12:6,601,282, A>G on the plus strand (T>C on the coding strand, the complement: CHD4 is on the minus strand). VCF-style: chr12-6601282-A-G. GRCh37 (hg19) VCF-style: chr12-6710448-A-G.
Other names: c.799+7T>C (NM_001363606.2); c.778+7T>C (NM_001297553.2).
Identifiers: ClinVar variation 3058201 (VCV003058201.4), dbSNP rs776875937, ClinGen allele CA6412426.

ClinVar aggregate classification (germline): Likely benign. Review status: criteria provided, single submitter (1 of 4 stars). 2 submissions from 2 submitters: Likely benign (1). 1 of the submissions does not count toward it. Last evaluated 2026-06-01.

Conditions:
CHD4-related disorder. Also called: CHD4-related condition.

Allele frequency attached by ClinVar (database versions not stated): TOPMed 0.00001; gnomAD 0.00003; gnomAD exomes 0.00006; ExAC 0.00017.
gnomAD v4.1: 89 of 1,612,376 alleles (0.0055%); highest among the groups gnomAD compares: South Asian, 0.082%; no homozygotes.

Submissions (2):

CeGaT Center for Human Genetics Tuebingen
Classification: Likely benign. Last evaluated: 2026-06-01. Review status: criteria provided, single submitter. Criteria: CeGaT Center For Human Genetics Tuebingen Variant Classification Criteria Version 2. Collection method: clinical testing. Allele origin: germline. Affected: yes. Observed: 1 variant allele.
Comment: CHD4: BP4, BS1

PreventionGenetics, part of Exact Sciences
Classification: Likely benign for CHD4-related condition. Last evaluated: 2020-03-16. Review status: no assertion criteria provided. Collection method: clinical testing. Allele origin: germline. Not counted in ClinVar's aggregate classification.
Comment: This variant is classified as likely benign based on ACMG/AMP sequence variant interpretation guidelines (Richards et al. 2015 PMID: 25741868, with internal and published modifications).